The following is an entry in ClinVar:

ClinVar aggregate classification (germline): Likely benign (1 of 4 stars; one submission).

Submission:

CeGaT Center for Human Genetics Tuebingen
Classification: Likely benign. Last evaluated: 2024-11-01. Review status: criteria provided, single submitter. Criteria: CeGaT Center For Human Genetics Tuebingen Variant Classification Criteria Version 2. Collection method: clinical testing. Allele origin: germline. Affected: yes. Observed: 2 variant alleles.
Comment: ENSG00000274021: BS2

NM_001946.4(DUSP6):c.-21C>G

Genes: DUSP6 (dual specificity phosphatase 6; minus strand), POC1B-DUSP6 (POC1B-DUSP6 readthrough; minus strand). Cytogenetic location: 12q21.33.
Variant type: single nucleotide variant.
Coding change: c.-21C>G on transcript NM_001946.4 (MANE Select); 21 bases upstream of the start codon, C replaced by G.
Molecular consequence: 5 prime UTR variant.
Genome position (GRCh38, 1-based): chr12:89,352,060, G>C on the plus strand (C>G on the coding strand, the complement: DUSP6 is on the minus strand). VCF-style: chr12-89352060-G-C. GRCh37 (hg19) VCF-style: chr12-89745837-G-C.
Other names: c.-21C>G (NM_022652.4).
Identifiers: ClinVar variation 3341640 (VCV003341640.16).